The following is an entry in ClinVar:

NM_000719.7(CACNA1C):c.1391-9C>G

Gene: CACNA1C (calcium voltage-gated channel subunit alpha1 C; plus strand). Cytogenetic location: 12p13.33.
Variant type: single nucleotide variant.
Coding change: c.1391-9C>G on transcript NM_000719.7 (MANE Select); 9 bases into the intron before coding-DNA position 1391, C replaced by G.
Molecular consequence: intron variant.
Genome position (GRCh38, 1-based): chr12:2,549,934, C>G. VCF-style: chr12-2549934-C-G. GRCh37 (hg19) VCF-style: chr12-2659100-C-G.
Other names: c.1391-9C>G (NM_001167624.3, NM_001167623.2, NM_001167625.2 and 18 more transcripts); c.1382-9C>G (NM_001129844.2).
Identifiers: ClinVar variation 4692023 (VCV004692023.1).
Genomic context (GRCh38, chr12:2,549,934, plus strand): 5'-CTACTGCTCTTCTGTTCCCTTGTCTCCCCACCCTCAATGCCTGGCTCTGCTTCCCTTTGA[C>G]TCTTGCAGTGAGCATGCCCACCAGTGAGACCGAGTCCGTCAACACCGAAAACGTGGCTGG-3'

ClinVar aggregate classification (germline): Uncertain significance (1 of 4 stars; one submission).

Conditions:
Long QT syndrome (LQTS). Identifiers: MedGen C0023976, MeSH D008133, MONDO:0002442. Disease mechanism: loss of function. Inheritance: Various modes of inheritance.

Submission:

Labcorp Genetics (formerly Invitae), Labcorp
Classification: Uncertain significance for Long QT syndrome. Last evaluated: 2025-12-16. Review status: criteria provided, single submitter. Criteria: Invitae Variant Classification Sherloc (09022015). Collection method: clinical testing. Allele origin: germline.
Comment: This sequence change falls in intron 9 of the CACNA1C gene. It does not directly change the encoded amino acid sequence of the CACNA1C protein. This variant is not present in population databases (gnomAD no frequency). This variant has not been reported in the literature in individuals affected with CACNA1C-related conditions. Algorithms developed to predict the effect of sequence changes on RNA splicing suggest that this variant may disrupt the consensus splice site. In summary, the available evidence is currently insufficient to determine the role of this variant in disease. Therefore, it has been classified as a Variant of Uncertain Significance.